The following is an entry in ClinVar:

NM_032888.4(COL27A1):c.734del (p.Pro245fs)

Gene: COL27A1 (collagen type XXVII alpha 1 chain; plus strand). Cytogenetic location: 9q32.
Variant type: Deletion.
Coding change: c.734del on transcript NM_032888.4 (MANE Select); coding-DNA position 734, one base deleted (C; older notation c.734delC).
Protein change: p.Pro245fs; shifts the reading frame from proline 245.
Molecular consequence: frameshift variant.
Genome position (GRCh38, 1-based): chr9:114,168,289, C deleted; the last of 4 consecutive C bases (chr9:114,168,286-114,168,289); deleting any one gives the same sequence. VCF-style (leftmost placement, unchanged base first): chr9-114168285-TC-T. GRCh37 (hg19) VCF-style: chr9-116930565-TC-T.
Other names: short protein forms P245fs.
Identifiers: ClinVar variation 2846833 (VCV002846833.3), dbSNP rs2490558508, ClinGen allele CA2739265026.

ClinVar aggregate classification (germline): Pathogenic (1 of 4 stars; one submission).

Submission:

Labcorp Genetics (formerly Invitae), Labcorp
Classification: Pathogenic. Last evaluated: 2024-02-11. Review status: criteria provided, single submitter. Criteria: Invitae Variant Classification Sherloc (09022015). Collection method: clinical testing. Allele origin: germline.
Comment: This sequence change creates a premature translational stop signal (p.Pro245Hisfs*23) in the COL27A1 gene. It is expected to result in an absent or disrupted protein product. Loss-of-function variants in COL27A1 are known to be pathogenic (PMID: 24986830, 28276056). This variant is not present in population databases (gnomAD no frequency). This variant has not been reported in the literature in individuals affected with COL27A1-related conditions. For these reasons, this variant has been classified as Pathogenic.

Literature cited by the submitters: PubMed 24986830; PubMed 28276056.